The following is an entry in ClinVar:

ClinVar aggregate classification (germline): Uncertain significance. Review status: criteria provided, single submitter (1 of 4 stars). 2 submissions from 2 submitters: Uncertain significance (1). 1 of the submissions does not count toward it. Last evaluated 2025-10-10.

Conditions:
STAG2-related disorder. Also called: STAG2-Related Disorders.

Allele frequency attached by ClinVar (database versions not stated): gnomAD 0.00001 and 0.00003; gnomAD exomes 0.00001; TOPMed 0.00001.

Submissions (2):

Labcorp Genetics (formerly Invitae), Labcorp
Classification: Uncertain significance. Last evaluated: 2025-10-10. Review status: criteria provided, single submitter. Criteria: Invitae Variant Classification Sherloc (09022015). Collection method: clinical testing. Allele origin: germline.
Comment: This sequence change replaces lysine, which is basic and polar, with arginine, which is basic and polar, at codon 55 of the STAG2 protein (p.Lys55Arg). This variant is present in population databases (rs537432586, gnomAD 0.008%). This variant has not been reported in the literature in individuals affected with STAG2-related conditions. ClinVar contains an entry for this variant (Variation ID: 1506555). Invitae Evidence Modeling of protein sequence and biophysical properties (such as structural, functional, and spatial information, amino acid conservation, physicochemical variation, residue mobility, and thermodynamic stability) indicates that this missense variant is not expected to disrupt STAG2 protein function with a negative predictive value of 80%. In summary, the available evidence is currently insufficient to determine the role of this variant in disease. Therefore, it has been classified as a Variant of Uncertain Significance.

PreventionGenetics, part of Exact Sciences
Classification: Uncertain significance for STAG2-related condition. Last evaluated: 2024-02-21. Review status: no assertion criteria provided. Collection method: clinical testing. Allele origin: germline. Not counted in ClinVar's aggregate classification.
Comment: The STAG2 c.164A>G variant is predicted to result in the amino acid substitution p.Lys55Arg. To our knowledge, this variant has not been reported in the literature. This variant is reported in 0.0079% of alleles in individuals of Latino descent in gnomAD. At this time, the clinical significance of this variant is uncertain due to the absence of conclusive functional and genetic evidence.

NM_001042750.2(STAG2):c.164A>G (p.Lys55Arg)

Gene: STAG2 (STAG2 cohesin complex component; plus strand). Cytogenetic location: Xq25.
Variant type: single nucleotide variant.
Coding change: c.164A>G on transcript NM_001042750.2 (MANE Select); coding-DNA position 164, A replaced by G.
Protein change: p.Lys55Arg; replaces lysine 55 with arginine.
Molecular consequence: missense variant.
Genome position (GRCh38, 1-based): chrX:124,031,001, A>G. VCF-style: chrX-124031001-A-G. GRCh37 (hg19) VCF-style: chrX-123164851-A-G.
Other names: c.164A>G, p.Lys55Arg (NM_001042749.2, NM_001042751.2, NM_001282418.2 and 13 more transcripts); short protein forms K55R.
Identifiers: ClinVar variation 1506555 (VCV001506555.8), dbSNP rs537432586, ClinGen allele CA335276892.